The following is an entry in ClinVar:

NM_001077365.2(POMT1):c.1847_1865dup (p.Gly624fs)

Gene: POMT1 (protein O-mannosyltransferase 1; plus strand). Cytogenetic location: 9q34.13.
Variant type: Duplication.
Coding change: c.1847_1865dup on transcript NM_001077365.2 (MANE Select); coding-DNA positions 1847 to 1865, 19 bases duplicated (TGGCTGGGGCGCTGTGTGC).
Protein change: p.Gly624fs; shifts the reading frame from glycine 624.
Molecular consequence: frameshift variant. On other transcripts: non-coding transcript variant (10).
Genome position (GRCh38, 1-based): chr9:131,522,068-131,522,086, TGGCTGGGGCGCTGTGTGC duplicated; duplicating any 19 consecutive bases within chr9:131,522,064-131,522,086 gives the same sequence; the c. name uses the placement nearest the transcript's 3' end. VCF-style (leftmost placement, unchanged base first): chr9-131522063-G-GGTGCTGGCTGGGGCGCTGT. GRCh37 (hg19) VCF-style: chr9-134397450-G-GGTGCTGGCTGGGGCGCTGT.
Other names: c.1685_1703dup, p.Gly570fs (NM_001077366.2, NM_001353194.2); c.1847_1865dup, p.Gly624fs (NM_001136113.2); c.1496_1514dup, p.Gly507fs (NM_001136114.2, NM_001353195.2, NM_001374691.1 and 2 more transcripts); c.1913_1931dup, p.Gly646fs (NM_001353193.2, NM_007171.4); c.1757_1775dup, p.Gly594fs (NM_001353196.2); c.1751_1769dup, p.Gly592fs (NM_001353197.2, NM_001353198.2); c.1562_1580dup, p.Gly529fs (NM_001353199.2); c.1391_1409dup, p.Gly472fs (NM_001353200.2); and 4 more; short protein forms G529fs, G551fs, G592fs, G594fs, G620fs, G472fs, G507fs, G570fs.
Identifiers: ClinVar variation 2951161 (VCV002951161.3), dbSNP rs2539473873, ClinGen allele CA2740092903.

ClinVar aggregate classification (germline): Pathogenic (1 of 4 stars; one submission).

Conditions:
Walker-Warburg congenital muscular dystrophy. Also called: Muscular dystrophy-dystroglycanopathy, type A; Walker-Warburg syndrome. Identifiers: Orphanet 899, MedGen C0265221, MONDO:0000171.
Muscular dystrophy-dystroglycanopathy (congenital with impaired intellectual development), type B, 1. Also called: MUSCULAR DYSTROPHY, CONGENITAL, POMT1-RELATED; Muscular dystrophy-dystroglycanopathy (congenital with intellectual disability), type B1. Identifiers: MedGen C5436962, MONDO:0013159, OMIM 613155.
Autosomal recessive limb-girdle muscular dystrophy type 2K. Also called: MUSCULAR DYSTROPHY-DYSTROGLYCANOPATHY (LIMB-GIRDLE), TYPE C, 1; MUSCULAR DYSTROPHY, LIMB-GIRDLE, TYPE 2K. Identifiers: Orphanet 86812, MedGen C1836373, MONDO:0012248, OMIM 609308.

Submission:

Labcorp Genetics (formerly Invitae), Labcorp
Classification: Pathogenic for Muscular dystrophy-dystroglycanopathy (congenital with impaired intellectual development), type B, 1; Walker-Warburg congenital muscular dystrophy; Autosomal recessive limb-girdle muscular dystrophy type 2K. Last evaluated: 2023-11-30. Review status: criteria provided, single submitter. Criteria: Invitae Variant Classification Sherloc (09022015). Collection method: clinical testing. Allele origin: germline.
Comment: This sequence change creates a premature translational stop signal (p.Gly646Trpfs*91) in the POMT1 gene. While this is not anticipated to result in nonsense mediated decay, it is expected to disrupt the last 102 amino acid(s) of the POMT1 protein. This variant is not present in population databases (gnomAD no frequency). This variant has not been reported in the literature in individuals affected with POMT1-related conditions. This variant disrupts a region of the POMT1 protein in which other variant(s) (p.Asp723Glyfs*8) have been determined to be pathogenic (PMID: 12369018, 16575835, 17559086, 22323514, 24304607, 24491487). This suggests that this is a clinically significant region of the protein, and that variants that disrupt it are likely to be disease-causing. For these reasons, this variant has been classified as Pathogenic.

Literature cited by the submitters: PubMed 12369018; PubMed 16575835; PubMed 17559086; PubMed 22323514; PubMed 24304607; PubMed 24491487.